The following is an entry in ClinVar:

NM_006060.6(IKZF1):c.1341C>T (p.Asp447=)

Gene: IKZF1 (IKAROS family zinc finger 1; plus strand). Cytogenetic location: 7p12.2.
Variant type: single nucleotide variant.
Coding change: c.1341C>T on transcript NM_006060.6 (MANE Select); coding-DNA position 1341, C replaced by T.
Protein change: p.Asp447=; no amino-acid change (aspartic acid 447 retained).
Molecular consequence: synonymous variant.
Genome position (GRCh38, 1-based): chr7:50,400,408, C>T. VCF-style: chr7-50400408-C-T. GRCh37 (hg19) VCF-style: chr7-50468106-C-T.
Other names: c.1215C>T, p.Asp405= (NM_001220765.3, NM_001291837.2); c.1050C>T, p.Asp350= (NM_001220767.2); c.1080C>T, p.Asp360= (NM_001220768.2, NM_001291838.2); c.924C>T, p.Asp308= (NM_001220770.2); c.912C>T, p.Asp304= (NM_001220771.2, NM_001291841.1); c.954C>T, p.Asp318= (NM_001291839.2); c.651C>T, p.Asp217= (NM_001291840.1); c.882C>T, p.Asp294= (NM_001291842.1); and 3 more.
Identifiers: ClinVar variation 1992481 (VCV001992481.4), dbSNP rs143013761, ClinGen allele CA158198535.
Genomic context (GRCh38, chr7:50,400,408, plus strand): 5'-GCTCAAGGAGGAGCACCGCGCCTACGACCTGCTGCGCGCCGCCTCCGAGAACTCGCAGGA[C>T]GCGCTCCGCGTGGTCAGCACCAGCGGGGAGCAGATGAAGGTGTACAAGTGCGAACACTGC-3'
Protein context (NP_006051.1, residues 437-457): LLRAASENSQ[Asp447=]ALRVVSTSGE

ClinVar aggregate classification (germline): Uncertain significance (1 of 4 stars; one submission).

Allele frequency attached by ClinVar (database versions not stated): gnomAD 0.00001; 1000 Genomes Project 30x 0.00016.
gnomAD v4.1: 5 of 1,613,730 alleles (0.00031%); highest among the groups gnomAD compares: Non-Finnish European, 0.00042%; no homozygotes.

Submission:

Labcorp Genetics (formerly Invitae), Labcorp
Classification: Uncertain significance. Last evaluated: 2022-05-09. Review status: criteria provided, single submitter. Criteria: Invitae Variant Classification Sherloc (09022015). Collection method: clinical testing. Allele origin: germline.
Comment: In summary, the available evidence is currently insufficient to determine the role of this variant in disease. Therefore, it has been classified as a Variant of Uncertain Significance. Experimental studies and prediction algorithms are not available or were not evaluated, and the functional significance of this variant is currently unknown. This variant has not been reported in the literature in individuals affected with IKZF1-related conditions. This variant is not present in population databases (gnomAD no frequency). This sequence change affects codon 447 of the IKZF1 mRNA. It is a 'silent' change, meaning that it does not change the encoded amino acid sequence of the IKZF1 protein.